The following is an entry in ClinVar:

ClinVar aggregate classification (germline): Uncertain significance. Review status: criteria provided, multiple submitters, no conflicts (2 of 4 stars). 2 submissions from 2 submitters: Uncertain significance (2). Last evaluated 2026-04-14.

Conditions:
Familial intrahepatic cholestasis. Identifiers: Orphanet 284385, MedGen CN296401, MONDO:0017290.
Progressive familial intrahepatic cholestasis type 2. Identifiers: Orphanet 79304, MedGen C3489789, MONDO:0011156, OMIM 601847.

gnomAD v4.1: 4 of 1,613,460 alleles (0.00025%); highest among the groups gnomAD compares: Non-Finnish European, 0.00034%; no homozygotes.

Submissions (2):

Genomenon, Inc
Classification: Uncertain significance for Familial intrahepatic cholestasis. Last evaluated: 2026-04-14. Review status: criteria provided, single submitter. Criteria: Genomenon Sequence Variant Interpretation Standards - Updated. Collection method: curation. Allele origin: germline. Affected: yes.
Comment: ABCB11 p.Tyr1041His (c.3121T>C) is a missense variant that changes the amino acid at residue 1041 from Tyrosine to Histidine. This variant has been observed in at least one proband with an ABCB11-related disorder (PMID:26858187). It has been observed in trans with a pathogenic or likely pathogenic variant (PMID:26858187). It is absent or not present at a significant frequency in gnomAD. In silico models predict that this variant is possibly or probably damaging. In conclusion, we classify ABCB11 p.Tyr1041His (c.3121T>C) as a variant of uncertain significance.

Broad Center for Mendelian Genomics, Broad Institute of MIT and Harvard
Classification: Uncertain significance for Progressive familial intrahepatic cholestasis type 2. Last evaluated: 2025-01-23. Review status: criteria provided, single submitter. Criteria: ACMG Guidelines, 2015. Collection method: curation. Allele origin: germline. Inheritance: Autosomal recessive inheritance.
Comment: The p.Tyr1041His variant in ABCB11 has been reported, in the compound heterozygous state, in 1 individual with BSEP deficiency (PMID: 26858187; Variation ID: 1453316), and has been identified in 0.0003% (4/1179714) of European (non-Finnish) chromosomes by the Genome Aggregation Database (gnomAD). Although this variant has been seen in the general population in a heterozygous state, its frequency is low enough to be consistent with a recessive carrier frequency. Computational prediction tools and conservation analyses suggest that this variant may impact the protein, though this information is not predictive enough to determine pathogenicity. In summary, the clinical significance of the p.Tyr1041His variant is uncertain. ACMGAMP Criteria applied: PP3_moderate, PM3, PM2_supporting (Richards 2015).

Literature cited by the submitters: PubMed 26858187 (cited by Genomenon, Inc).

NM_003742.4(ABCB11):c.3121T>C (p.Tyr1041His)

Gene: ABCB11 (ATP binding cassette subfamily B member 11; minus strand). Cytogenetic location: 2q31.1.
Variant type: single nucleotide variant.
Coding change: c.3121T>C on transcript NM_003742.4 (MANE Select); coding-DNA position 3121, T replaced by C.
Protein change: p.Tyr1041His; replaces tyrosine 1041 with histidine.
Molecular consequence: missense variant.
Genome position (GRCh38, 1-based): chr2:168,932,469, A>G on the plus strand (T>C on the coding strand, the complement: ABCB11 is on the minus strand). VCF-style: chr2-168932469-A-G. GRCh37 (hg19) VCF-style: chr2-169788979-A-G.
Other names: NM_003742.4:c.3121T>C; short protein forms Y1041H.
Identifiers: ClinVar variation 3776841 (VCV003776841.2).
Genomic context (GRCh38, chr2:168,932,469, plus strand): 5'-TTGGGGGTTGTCGGTCCAGCAGTTGAAAAAAGCGTGCAGCTGATATTTTAGCTTTTGCAT[A>G]ACTTGGGGTGTAAGAGAAGGCTCTTCCAAGAGCTGTTGCACTCAGTACAACTGCAGAGAT-3'
Protein context (NP_003733.2, residues 1031-1051): LGRAFSYTPS[Tyr1041His]AKAKISAARF